The following is an entry in ClinVar:

NM_001244008.2(KIF1A):c.2187G>A (p.Thr729=)

Gene: KIF1A (kinesin family member 1A; minus strand). Cytogenetic location: 2q37.3.
Variant type: single nucleotide variant.
Coding change: c.2187G>A on transcript NM_001244008.2 (MANE Select); coding-DNA position 2187, G replaced by A.
Protein change: p.Thr729=; no amino-acid change (threonine 729 retained).
Molecular consequence: synonymous variant.
Genome position (GRCh38, 1-based): chr2:240,761,307, C>T on the plus strand (G>A on the coding strand, the complement: KIF1A is on the minus strand). VCF-style: chr2-240761307-C-T. GRCh37 (hg19) VCF-style: chr2-241700724-C-T.
Other names: c.2187G>A, p.Thr729= (NM_001320705.2, NM_001330289.2, NM_001379638.1); c.2262G>A, p.Thr754= (NM_001330290.2, NM_001379631.1, NM_001379634.1 and 2 more transcripts); c.2160G>A, p.Thr720= (NM_001379632.1, NM_001379633.1, NM_001379636.1 and 10 more transcripts); c.2235G>A, p.Thr745= (NM_001379637.1, NM_001379648.1).
Identifiers: ClinVar variation 464219 (VCV000464219.32), dbSNP rs371859121, ClinGen allele CA2208164.

ClinVar aggregate classification (germline): Likely benign. Review status: criteria provided, multiple submitters, no conflicts (2 of 4 stars). 4 submissions from 4 submitters: Likely benign (4). Last evaluated 2026-02-02.

Conditions:
Hereditary spastic paraplegia 30. Identifiers: Orphanet 101010, MedGen C5235139, MONDO:0012476.
Neuropathy, hereditary sensory, type 2C. Also called: Hereditary sensory and autonomic neuropathy type IIC; KIF1A-Related HSAN2 (HSAN2C). Identifiers: Orphanet 970, MedGen C3280168, MONDO:0013634, OMIM 614213.
Intellectual disability, autosomal dominant 9 (NESCAVS). Also called: NESCAV SYNDROME; KIF1A-Related Neurodevelopmental Disorder. Identifiers: Orphanet 662367, MedGen C5393830, MONDO:0013656, OMIM 614255.
Inborn genetic diseases. Identifiers: MedGen C0950123, MeSH D030342.

Allele frequency attached by ClinVar (database versions not stated): TOPMed 0.00005; ESP Exome Variant Server 0.00008; gnomAD exomes 0.00003 and 0.00004.
gnomAD v4.1: 45 of 1,613,740 alleles (0.0028%); highest among the groups gnomAD compares: Admixed American, 0.018%; no homozygotes.

Submissions (4):

Labcorp Genetics (formerly Invitae), Labcorp
Classification: Likely benign for Hereditary spastic paraplegia 30; Neuropathy, hereditary sensory, type 2C; Intellectual disability, autosomal dominant 9. Last evaluated: 2026-02-02. Review status: criteria provided, single submitter. Criteria: Invitae Variant Classification Sherloc (09022015). Collection method: clinical testing. Allele origin: germline.

CeGaT Center for Human Genetics Tuebingen
Classification: Likely benign. Last evaluated: 2025-09-01. Review status: criteria provided, single submitter. Criteria: CeGaT Center For Human Genetics Tuebingen Variant Classification Criteria Version 2. Collection method: clinical testing. Allele origin: germline. Affected: yes. Observed: 2 variant alleles.
Comment: KIF1A: BP4, BP7

GeneDx
Classification: Likely benign. Last evaluated: 2020-09-10. Review status: criteria provided, single submitter. Criteria: GeneDx Variant Classification Process June 2021. Collection method: clinical testing. Allele origin: germline. Affected: yes.

Ambry Genetics
Classification: Likely benign for Inborn genetic diseases. Last evaluated: 2019-07-11. Review status: criteria provided, single submitter. Criteria: Ambry Variant Classification Scheme 2023. Collection method: clinical testing. Allele origin: germline.